The following is an entry in ClinVar:

ClinVar aggregate classification (germline): Uncertain significance (1 of 4 stars; one submission).

Conditions:
Myopathy, proximal, and ophthalmoplegia (CMYO6). Also called: MYOPATHY WITH CONGENITAL JOINT CONTRACTURES, OPHTHALMOPLEGIA, AND RIMMED VACUOLES; INCLUSION BODY MYOPATHY 3, AUTOSOMAL DOMINANT; CONGENITAL MYOPATHY 6 WITH OPHTHALMOPLEGIA. Identifiers: Orphanet 363677, Orphanet 79091, MedGen C1854106, MONDO:0011577, OMIM 605637.

Submission:

Labcorp Genetics (formerly Invitae), Labcorp
Classification: Uncertain significance for Myopathy, proximal, and ophthalmoplegia. Last evaluated: 2019-09-16. Review status: criteria provided, single submitter. Criteria: Invitae Variant Classification Sherloc (09022015). Collection method: clinical testing. Allele origin: germline.
Comment: This variant, c.2459_2467dup, results in the insertion of 3 amino acid(s) to the MYH2 protein (p.Ile820_Tyr822dup), but otherwise preserves the integrity of the reading frame. This variant is not present in population databases (ExAC no frequency). This variant has not been reported in the literature in individuals with MYH2-related conditions. Experimental studies and prediction algorithms are not available or were not evaluated for this variant, and the functional significance of this variant is currently unknown. In summary, the available evidence is currently insufficient to determine the role of this variant in disease. Therefore, it has been classified as a Variant of Uncertain Significance.

NM_017534.6(MYH2):c.2459_2467dup (p.Ile820_Tyr822dup)

Genes: MYHAS (myosin heavy chain gene cluster antisense RNA; plus strand), MYH2 (myosin heavy chain 2; minus strand). Cytogenetic location: 17p13.1.
Variant type: Duplication.
Coding change: c.2459_2467dup on transcript NM_017534.6 (MANE Select); coding-DNA positions 2459 to 2467, 9 bases duplicated (TCCAGTACA; older notation c.2459_2467dupTCCAGTACA).
Protein change: p.Ile820_Tyr822dup.
Molecular consequence: inframe insertion.
Genome position (GRCh38, 1-based): chr17:10,531,863-10,531,871, TGTACTGGA duplicated on the plus strand (TCCAGTACA on the coding strand, the reverse complement: MYH2 is on the minus strand); duplicating any 9 consecutive bases within chr17:10,531,863-10,531,872 gives the same sequence; the c. name uses the placement nearest the transcript's 3' end. VCF-style (leftmost placement, unchanged base first): chr17-10531862-T-TTGTACTGGA. GRCh37 (hg19) VCF-style: chr17-10435179-T-TTGTACTGGA.
Other names: c.2459_2467dup, p.Ile820_Tyr822dup (NM_001100112.2).
Identifiers: ClinVar variation 958517 (VCV000958517.1), dbSNP rs2073428547, ClinGen allele CA1139665222.
Genomic context (GRCh38, chr17:10,531,862, plus strand): 5'-TTGATCTTGAAGAAGAGTTTCATCCAGGGCCAGTGCTTGACATTCATGAAGGATCTGATA[T>TTGTACTGGA]TGTACTGGATACAGAAGATGGCCTCCCTGAAATTTAATTGATGCAAATTAGTATTGTGTG-3'